The following is an entry in ClinVar:

NM_000435.3(NOTCH3):c.5199+856GA[19]

Gene: NOTCH3 (notch receptor 3; minus strand). Cytogenetic location: 19p13.12.
Variant type: Microsatellite.
Coding change: c.5199+856GA[19] on transcript NM_000435.3 (MANE Select); 19 copies in a row of the 2-base unit GA starting at c.5199+856; the reference has 22 copies in a row; three copies, 6 bases deleted.
Molecular consequence: intron variant.
Genome position (GRCh38, 1-based): chr19:15,169,187-15,169,192, TCTCTC deleted on the plus strand (GAGAGA on the coding strand, the reverse complement: NOTCH3 is on the minus strand); deleting any 6 consecutive bases within chr19:15,169,187-15,169,230 gives the same sequence; the position shown is the placement nearest the transcript's 3' end. VCF-style (leftmost placement, unchanged base first): chr19-15169186-GTCTCTC-G. GRCh37 (hg19) VCF-style: chr19-15279997-GTCTCTC-G.
Identifiers: ClinVar variation 4822479 (VCV004822479.4).

ClinVar aggregate classification (germline): Benign (1 of 4 stars; one submission).

Submission:

CeGaT Center for Human Genetics Tuebingen
Classification: Benign. Last evaluated: 2026-02-01. Review status: criteria provided, single submitter. Criteria: CeGaT Center For Human Genetics Tuebingen Variant Classification Criteria Version 2. Collection method: clinical testing. Allele origin: germline. Affected: yes. Observed: 1 variant allele.
Comment: NOTCH3: BS1, BS2